The following is an entry in ClinVar:

NM_018897.3(DNAH7):c.736C>T (p.Arg246Cys)

Gene: DNAH7 (dynein axonemal heavy chain 7; minus strand). Cytogenetic location: 2q32.3.
Variant type: single nucleotide variant.
Coding change: c.736C>T on transcript NM_018897.3 (MANE Select); coding-DNA position 736, C replaced by T.
Protein change: p.Arg246Cys; replaces arginine 246 with cysteine.
Molecular consequence: missense variant.
Genome position (GRCh38, 1-based): chr2:196,024,436, G>A on the plus strand (C>T on the coding strand, the complement: DNAH7 is on the minus strand). VCF-style: chr2-196024436-G-A. GRCh37 (hg19) VCF-style: chr2-196889160-G-A.
Other names: short protein forms R246C.
Identifiers: ClinVar variation 3033847 (VCV003033847.2), dbSNP rs182086316, ClinGen allele CA2036883.

ClinVar aggregate classification (germline): Likely benign (0 of 4 stars; one submission).

Conditions:
DNAH7-related disorder. Also called: DNAH7-related condition.

Allele frequency attached by ClinVar (database versions not stated): TOPMed 0.00151; gnomAD exomes 0.00227; ESP Exome Variant Server 0.00187; ExAC 0.00193; gnomAD 0.00204; 1000 Genomes Project 0.00140; 1000 Genomes Project 30x 0.00141.
gnomAD v4.1: 3,507 of 1,580,490 alleles (0.22%); highest among the groups gnomAD compares: Non-Finnish European, 0.25%; 6 homozygotes.

Submission:

PreventionGenetics, part of Exact Sciences
Classification: Likely benign for DNAH7-related condition. Last evaluated: 2019-06-18. Review status: no assertion criteria provided. Collection method: clinical testing. Allele origin: germline.
Comment: This variant is classified as likely benign based on ACMG/AMP sequence variant interpretation guidelines (Richards et al. 2015 PMID: 25741868, with internal and published modifications).